The following is an entry in ClinVar:

ClinVar aggregate classification (germline): Uncertain significance. Review status: criteria provided, multiple submitters, no conflicts (2 of 4 stars). 3 submissions from 3 submitters: Uncertain significance (3). Last evaluated 2025-09-18.

Conditions:
TTN-related disorder. Also called: TTN-related condition; TTN-related disease; TTN-related disorders.
Tibial muscular dystrophy (TMD). Also called: UDD MYOPATHY; Tibial muscular dystrophy, tardive; Udd Distal Myopathy – Tibial Muscular Dystrophy. Identifiers: Orphanet 609, MedGen C1838244, MONDO:0010870, OMIM 600334.
Myopathy, myofibrillar, 9, with early respiratory failure (MFM9). Also called: MYOPATHY, PROXIMAL, WITH EARLY RESPIRATORY MUSCLE INVOLVEMENT; Hereditary myopathy with early respiratory failure; EDSTROM MYOPATHY; Myopathy, distal, with early respiratory failure, autosomal dominant. Identifiers: Orphanet 178464, Orphanet 34521, MedGen C1863599, MONDO:0011362, OMIM 603689.
Hypertrophic cardiomyopathy 9. Also called: Familial hypertrophic cardiomyopathy 9. Identifiers: MedGen C1861065, MONDO:0013412, OMIM 613765.
Dilated cardiomyopathy 1G (CMD1G). Identifiers: Orphanet 154, MedGen C1858763, MONDO:0011400, OMIM 604145.
Autosomal recessive limb-girdle muscular dystrophy type 2J (LGMDR10). Also called: Limb-girdle muscular dystrophy, type 2J; MUSCULAR DYSTROPHY, LIMB-GIRDLE, AUTOSOMAL RECESSIVE 10. Identifiers: Orphanet 140922, MedGen C1837342, MONDO:0012127, OMIM 608807.
Early-onset myopathy with fatal cardiomyopathy (CMYO5). Also called: Salih Myopathy; CONGENITAL MYOPATHY 5 WITH CARDIOMYOPATHY. Identifiers: Orphanet 289377, MedGen C2673677, MONDO:0012714, OMIM 611705. Disease mechanism: loss of function.

gnomAD v4.1: 15 of 1,613,772 alleles (0.00093%); highest among the groups gnomAD compares: African/African-American, 0.0027%; no homozygotes.

Submissions (3):

PreventionGenetics, part of Exact Sciences
Classification: Uncertain significance for TTN-related condition. Last evaluated: 2025-09-18. Review status: criteria provided, single submitter. Criteria: ACMG Guidelines, 2015. Collection method: clinical testing. Allele origin: germline.
Comment: The TTN c.87631C>T variant is predicted to result in the amino acid substitution p.Arg29211Cys. To our knowledge, this variant has not been reported in the literature. This variant is reported in 0.0099% of alleles in individuals of Ashkenazi Jewish descent in gnomAD. At this time, the clinical significance of this variant is uncertain due to the absence of conclusive functional and genetic evidence.

Department of Pathology and Laboratory Medicine, Sinai Health System
Classification: Uncertain significance for Tibial muscular dystrophy; Myopathy, myofibrillar, 9, with early respiratory failure; Dilated cardiomyopathy 1G; Autosomal recessive limb-girdle muscular dystrophy type 2J; Early-onset myopathy with fatal cardiomyopathy; Hypertrophic cardiomyopathy 9. Last evaluated: 2021-09-23. Review status: criteria provided, single submitter. Criteria: ACMG Guidelines, 2015. Collection method: research. Allele origin: germline.

Revvity Omics, Revvity
Classification: Uncertain significance. Last evaluated: 2019-12-09. Review status: criteria provided, single submitter. Criteria: ACMG Guidelines, 2015. Collection method: clinical testing. Allele origin: germline.

NM_001267550.2(TTN):c.87631C>T (p.Arg29211Cys)

Genes: TTN (titin; minus strand), TTN-AS1 (TTN antisense RNA 1; plus strand). Cytogenetic location: 2q31.2.
Variant type: single nucleotide variant.
Coding change: c.87631C>T on transcript NM_001267550.2 (MANE Select); coding-DNA position 87631, C replaced by T.
Protein change: p.Arg29211Cys; replaces arginine 29211 with cysteine.
Molecular consequence: missense variant.
Genome position (GRCh38, 1-based): chr2:178,557,723, G>A on the plus strand (C>T on the coding strand, the complement: TTN is on the minus strand). VCF-style: chr2-178557723-G-A. GRCh37 (hg19) VCF-style: chr2-179422450-G-A.
Other names: c.82708C>T, p.Arg27570Cys (NM_001256850.1); c.60436C>T, p.Arg20146Cys (NM_003319.4); c.79927C>T, p.Arg26643Cys (NM_133378.4); c.60811C>T, p.Arg20271Cys (NM_133432.3); c.61012C>T, p.Arg20338Cys (NM_133437.4); short protein forms R20146C, R20271C, R20338C, R26643C, R27570C, R29211C.
Identifiers: ClinVar variation 2437879 (VCV002437879.5), dbSNP rs557805163, ClinGen allele CA60981628.